The following is an entry in ClinVar:

ClinVar aggregate classification (germline): Likely benign. Review status: criteria provided, multiple submitters, no conflicts (2 of 4 stars). 2 submissions from 2 submitters: Likely benign (2). Last evaluated 2025-05-28.

Conditions:
C5AR2-related condition.

gnomAD v4.1: 310 of 1,611,764 alleles (0.019%); highest among the groups gnomAD compares: African/African-American, 0.37%; 1 homozygote.

Submissions (2):

PreventionGenetics, part of Exact Sciences
Classification: Likely benign for C5AR2-related condition. Last evaluated: 2025-05-28. Review status: criteria provided, single submitter. Criteria: ACMG Guidelines, 2015. Collection method: clinical testing. Allele origin: germline.
Comment: This variant is classified as likely benign based on ACMG/AMP sequence variant interpretation guidelines (Richards et al. 2015 PMID: 25741868, with internal and published modifications).

Blueprint Genetics
Classification: Likely benign. Last evaluated: 2024-09-04. Review status: criteria provided, single submitter. Criteria: ACMG Guidelines, 2015. Collection method: clinical testing. Allele origin: germline.

NM_001271749.2(C5AR2):c.690C>T (p.Arg230=)

Gene: C5AR2 (complement C5a receptor 2; plus strand). Cytogenetic location: 19q13.32.
Variant type: single nucleotide variant.
Coding change: c.690C>T on transcript NM_001271749.2 (MANE Select); coding-DNA position 690, C replaced by T.
Protein change: p.Arg230=; no amino-acid change (arginine 230 retained).
Molecular consequence: synonymous variant.
Genome position (GRCh38, 1-based): chr19:47,341,489, C>T. VCF-style: chr19-47341489-C-T. GRCh37 (hg19) VCF-style: chr19-47844746-C-T.
Other names: c.690C>T, p.Arg230= (NM_001271750.2, NM_018485.3); c.690C>T (NM_001271749.1).
Identifiers: ClinVar variation 4943039 (VCV004943039.2).